The following is an entry in ClinVar:

ClinVar aggregate classification (germline): Uncertain significance. Review status: criteria provided, multiple submitters, no conflicts (2 of 4 stars). 2 submissions from 2 submitters: Uncertain significance (2). Last evaluated 2025-04-16.

Conditions:
DCHS1-related disorder. Also called: DCHS1-related condition.

Allele frequency attached by ClinVar (database versions not stated): TOPMed below 0.00001; gnomAD 0.00001.

Submissions (2):

PreventionGenetics, part of Exact Sciences
Classification: Uncertain significance for DCHS1-related condition. Last evaluated: 2025-04-16. Review status: criteria provided, single submitter. Criteria: ACMG Guidelines, 2015. Collection method: clinical testing. Allele origin: germline.
Comment: The DCHS1 c.9436G>T variant is predicted to result in the amino acid substitution p.Ala3146Ser. To our knowledge, this variant has not been reported in the literature. This variant is reported in 0.011% of alleles in individuals of African descent in gnomAD. At this time, the clinical significance of this variant is uncertain due to the absence of conclusive functional and genetic evidence.

Labcorp Genetics (formerly Invitae), Labcorp
Classification: Uncertain significance. Last evaluated: 2024-12-04. Review status: criteria provided, single submitter. Criteria: Invitae Variant Classification Sherloc (09022015). Collection method: clinical testing. Allele origin: germline.
Comment: This sequence change replaces alanine, which is neutral and non-polar, with serine, which is neutral and polar, at codon 3146 of the DCHS1 protein (p.Ala3146Ser). This variant is present in population databases (no rsID available, gnomAD 0.01%). This variant has not been reported in the literature in individuals affected with DCHS1-related conditions. ClinVar contains an entry for this variant (Variation ID: 1518772). Invitae Evidence Modeling of protein sequence and biophysical properties (such as structural, functional, and spatial information, amino acid conservation, physicochemical variation, residue mobility, and thermodynamic stability) has been performed for this missense variant. However, the output from this modeling did not meet the statistical confidence thresholds required to predict the impact of this variant on DCHS1 protein function. In summary, the available evidence is currently insufficient to determine the role of this variant in disease. Therefore, it has been classified as a Variant of Uncertain Significance.

NM_003737.4(DCHS1):c.9436G>T (p.Ala3146Ser)

Gene: DCHS1 (dachsous cadherin-related 1; minus strand). Cytogenetic location: 11p15.4.
Variant type: single nucleotide variant.
Coding change: c.9436G>T on transcript NM_003737.4 (MANE Select); coding-DNA position 9436, G replaced by T.
Protein change: p.Ala3146Ser; replaces alanine 3146 with serine.
Molecular consequence: missense variant.
Genome position (GRCh38, 1-based): chr11:6,622,240, C>A on the plus strand (G>T on the coding strand, the complement: DCHS1 is on the minus strand). VCF-style: chr11-6622240-C-A. GRCh37 (hg19) VCF-style: chr11-6643471-C-A.
Other names: c.9436G>T (NM_003737.3); short protein forms A3146S.
Identifiers: ClinVar variation 1518772 (VCV001518772.7), dbSNP rs1298648060, ClinGen allele CA379478751.
Genomic context (GRCh38, chr11:6,622,240, plus strand): 5'-GGTAGTCCCAGTTATAGCTGCCACGGAGCTCCTCCTCGCCGGCCACAATGGCTGTCAGCG[C>A]ACCTGCCACACATGGCTTGCCATCTGCTGGGAAGCCATAGTCCCCAGTGGGTGCAGGGCT-3'
Protein context (NP_003728.1, residues 3136-3156): PADGKPCVAG[Ala3146Ser]LTAIVAGEEE